The following is an entry in ClinVar:

NM_001261826.3(AP3D1):c.3634C>G (p.Leu1212Val)

Gene: AP3D1 (adaptor related protein complex 3 subunit delta 1; minus strand). Cytogenetic location: 19p13.3.
Variant type: single nucleotide variant.
Coding change: c.3634C>G on transcript NM_001261826.3 (MANE Select); coding-DNA position 3634, C replaced by G.
Protein change: p.Leu1212Val; replaces leucine 1212 with valine.
Molecular consequence: missense variant.
Genome position (GRCh38, 1-based): chr19:2,102,187, G>C on the plus strand (C>G on the coding strand, the complement: AP3D1 is on the minus strand). VCF-style: chr19-2102187-G-C. GRCh37 (hg19) VCF-style: chr19-2102186-G-C.
Other names: c.3598C>G, p.Leu1200Val (NM_001374799.1); c.3448C>G, p.Leu1150Val (NM_003938.8); short protein forms L1150V, L1200V, L1212V.
Identifiers: ClinVar variation 3660230 (VCV003660230.2).

ClinVar aggregate classification (germline): Uncertain significance (1 of 4 stars; one submission).

gnomAD v4.1: 2 of 1,613,838 alleles (0.00012%); highest among the groups gnomAD compares: Admixed American, 0.0017%; no homozygotes.

Submission:

Labcorp Genetics (formerly Invitae), Labcorp
Classification: Uncertain significance. Last evaluated: 2024-07-22. Review status: criteria provided, single submitter. Criteria: Invitae Variant Classification Sherloc (09022015). Collection method: clinical testing. Allele origin: germline.
Comment: This sequence change replaces leucine, which is neutral and non-polar, with valine, which is neutral and non-polar, at codon 1212 of the AP3D1 protein (p.Leu1212Val). This variant is not present in population databases (gnomAD no frequency). This variant has not been reported in the literature in individuals affected with AP3D1-related conditions. An algorithm developed to predict the effect of missense changes on protein structure and function (PolyPhen-2) suggests that this variant is likely to be disruptive. In summary, the available evidence is currently insufficient to determine the role of this variant in disease. Therefore, it has been classified as a Variant of Uncertain Significance.